The following is an entry in ClinVar:

NM_000535.7(PMS2):c.2007-11dup

Gene: PMS2 (PMS1 homolog 2, mismatch repair system component; minus strand). Cytogenetic location: 7p22.1.
Variant type: Duplication.
Coding change: c.2007-11dup on transcript NM_000535.7 (MANE Select); 11 bases into the intron before coding-DNA position 2007, one base duplicated (T; older notation c.2007-11dupT).
Molecular consequence: intron variant.
Genome position (GRCh38, 1-based): chr7:5,983,002, A duplicated on the plus strand (T on the coding strand, the reverse complement: PMS2 is on the minus strand); the first of 4 consecutive A bases (chr7:5,983,002-5,983,005); duplicating any one gives the same sequence. VCF-style (leftmost placement, unchanged base first): chr7-5983001-G-GA. GRCh37 (hg19) VCF-style: chr7-6022632-G-GA.
Other names: c.2007-11dupT (NM_000535.5); c.1689-11dup (NM_001322008.2, NM_001322007.2); c.1446-11dup (NM_001322010.2); c.1602-11dup (NM_001322004.2, NM_001322003.2, NM_001322009.2 and 1 more transcripts); c.1434-11dup (NM_001322013.2); c.1074-11dup (NM_001322012.2, NM_001322011.2); c.1698-11dup (NM_001322015.2); c.1851-11dup (NM_001322006.2); and 1 more.
Identifiers: ClinVar variation 419922 (VCV000419922.7), dbSNP rs1554295996, ClinGen allele CA16618493.
Genomic context (GRCh38, chr7:5,983,001, plus strand): 5'-AATCCCAGGTTAAACTGACCAATGATTTCCATTTCTGCAAACATCGTTTTACTGCAGGTA[G>GA]AAAATGTTAATTATCAGACATTTTACAAGATTATTTTTCTGATTATGTTATAGAACACTG-3'

ClinVar aggregate classification (germline): Benign/Likely benign. Review status: criteria provided, multiple submitters, no conflicts (2 of 4 stars). 4 submissions from 4 submitters: Benign (1); Likely benign (3). Last evaluated 2025-02-03.

Conditions:
Hereditary nonpolyposis colorectal neoplasms. Identifiers: MedGen C0009405, MeSH D003123.
Lynch syndrome 4 (LYNCH4). Also called: Hereditary non-polyposis colorectal cancer, type 4; Colorectal cancer, hereditary nonpolyposis, type 4. Identifiers: Orphanet 144, MedGen C1838333, MONDO:0013699, OMIM 614337. Disease mechanism: loss of function.
Mismatch repair cancer syndrome 1 (MMRCS1). Also called: MISMATCH REPAIR DEFICIENCY; MMR DEFICIENCY; BRAIN TUMOR-POLYPOSIS SYNDROME 1; BTP1 SYNDROME; CHILDHOOD CANCER SYNDROME. Identifiers: Orphanet 252202, MedGen C5399763, MONDO:0010159, OMIM 276300. Disease mechanism: loss of function.

Submissions (4):

Myriad Genetics, Inc.
Classification: Likely benign for Lynch syndrome 4. Last evaluated: 2025-02-03. Review status: criteria provided, single submitter. Criteria: Myriad Autosomal Dominant, Autosomal Recessive and X-Linked Classification Criteria (2023). Collection method: clinical testing. Allele origin: unknown.
Comment: This variant is considered likely benign. This variant is intronic and is not expected to impact mRNA splicing.

Labcorp Genetics (formerly Invitae), Labcorp
Classification: Benign for Hereditary nonpolyposis colorectal neoplasms. Last evaluated: 2024-10-22. Review status: criteria provided, single submitter. Criteria: Invitae Variant Classification Sherloc (09022015). Collection method: clinical testing. Allele origin: germline.

Department of Pathology and Laboratory Medicine, Sinai Health System
Classification: Likely benign for mismatch repair cancer syndrome 1. Last evaluated: 2018-05-24. Review status: criteria provided, single submitter. Criteria: ACMG Guidelines, 2015. Collection method: clinical testing. Allele origin: germline.

GeneDx
Classification: Likely benign. Last evaluated: 2015-10-26. Review status: criteria provided, single submitter. Criteria: GeneDx Variant Classification (06012015). Collection method: clinical testing. Allele origin: germline. Affected: yes.
Comment: This variant is considered likely benign or benign based on one or more of the following criteria: it is a conservative change, it occurs at a poorly conserved position in the protein, it is predicted to be benign by multiple in silico algorithms, and/or has population frequency not consistent with disease.